The following is an entry in ClinVar:

NM_000552.5(VWF):c.3486A>G (p.Pro1162=)

Gene: VWF (von Willebrand factor; minus strand). Cytogenetic location: 12p13.31.
Variant type: single nucleotide variant.
Coding change: c.3486A>G on transcript NM_000552.5 (MANE Select); coding-DNA position 3486, A replaced by G.
Protein change: p.Pro1162=; no amino-acid change (proline 1162 retained).
Molecular consequence: synonymous variant.
Genome position (GRCh38, 1-based): chr12:6,022,792, T>C on the plus strand (A>G on the coding strand, the complement: VWF is on the minus strand). VCF-style: chr12-6022792-T-C. GRCh37 (hg19) VCF-style: chr12-6131958-T-C.
Other names: p.Pro1162=; c.3486A>G (NM_000552.4).
Identifiers: ClinVar variation 256670 (VCV000256670.11), dbSNP rs546732699, ClinGen allele CA6402755.

ClinVar aggregate classification (germline): Benign/Likely benign. Review status: criteria provided, multiple submitters, no conflicts (2 of 4 stars). 7 submissions from 5 submitters: Benign (5); Likely benign (2). Last evaluated 2022-12-19.

Conditions:
von Willebrand disease type 2 (VWD2). Also called: VON WILLEBRAND DISEASE, TYPE II; VWD, TYPE 2; VON WILLEBRAND DISEASE, TYPE 2A/IIE; VON WILLEBRAND DISEASE, TYPE 2CB. Identifiers: Orphanet 166081, Orphanet 903, MedGen C1264040, MONDO:0013304, OMIM 613554.
von Willebrand disease type 3 (VWD3). Also called: Type 3 Von Willebrand's disease; Type 3 VWD; Von Willebrand disease, severe form; V WD3; VON WILLEBRAND DISEASE, TYPE III. Identifiers: Orphanet 166096, MedGen C1264041, MONDO:0010191, OMIM 277480.
von Willebrand disease type 1 (VWD1). Also called: VON WILLEBRAND DISEASE, TYPE I; VWD, TYPE 1. Identifiers: Orphanet 166078, Orphanet 903, MedGen C1264039, MONDO:0008668, OMIM 193400. Inheritance: autosomal recessive or autosomal dominant.

Allele frequency attached by ClinVar (database versions not stated): ExAC below 0.00001; gnomAD exomes 0.02563; gnomAD 0.05708; TOPMed 0.07300; 1000 Genomes Project 0.07648; 1000 Genomes Project 30x 0.08245.

Submissions (7):

Mayo Clinic Laboratories, Mayo Clinic
Classification: Benign. Last evaluated: 2022-12-19. Review status: criteria provided, single submitter. Criteria: ACMG Guidelines, 2015. Collection method: clinical testing. Allele origin: germline. Observed: 22 variant alleles.
Comment: BA1, BS1, BP4, BP7

Genome-Nilou Lab
Classification: Benign for von Willebrand disease type 1. Last evaluated: 2021-12-05. Review status: criteria provided, single submitter. Criteria: ACMG Guidelines, 2015. Collection method: clinical testing. Allele origin: germline. Affected: no.

Genome-Nilou Lab
Classification: Benign for von Willebrand disease type 3. Last evaluated: 2021-12-05. Review status: criteria provided, single submitter. Criteria: ACMG Guidelines, 2015. Collection method: clinical testing. Allele origin: germline. Affected: no.

Genome-Nilou Lab
Classification: Benign for von Willebrand disease type 2. Last evaluated: 2021-12-05. Review status: criteria provided, single submitter. Criteria: ACMG Guidelines, 2015. Collection method: clinical testing. Allele origin: germline. Affected: no.

GeneDx
Classification: Benign. Last evaluated: 2018-11-12. Review status: criteria provided, single submitter. Criteria: GeneDx Variant Classification Process June 2021. Collection method: clinical testing. Allele origin: germline. Affected: yes.

Breakthrough Genomics
Classification: Likely benign. Review status: criteria provided, single submitter. Criteria: ACMG Guidelines, 2015. Collection method: not provided. Allele origin: germline. Inheritance: Autosomal recessive inheritance. Affected: yes.

PreventionGenetics, part of Exact Sciences
Classification: Likely benign. Review status: criteria provided, single submitter. Criteria: ACMG Guidelines, 2015. Collection method: clinical testing. Allele origin: germline.